The following is an entry in ClinVar:

NM_017654.4(SAMD9):c.1465C>T (p.Pro489Ser)

Gene: SAMD9 (sterile alpha motif domain containing 9; minus strand). Cytogenetic location: 7q21.2.
Variant type: single nucleotide variant.
Coding change: c.1465C>T on transcript NM_017654.4 (MANE Select); coding-DNA position 1465, C replaced by T.
Protein change: p.Pro489Ser; replaces proline 489 with serine.
Molecular consequence: missense variant.
Genome position (GRCh38, 1-based): chr7:93,104,633, G>A on the plus strand (C>T on the coding strand, the complement: SAMD9 is on the minus strand). VCF-style: chr7-93104633-G-A. GRCh37 (hg19) VCF-style: chr7-92733946-G-A.
Other names: c.1465C>T, p.Pro489Ser (NM_001193307.2); short protein forms P489S.
Identifiers: ClinVar variation 3437061 (VCV003437061.1).

ClinVar aggregate classification (germline): Uncertain significance (1 of 4 stars; one submission).

Conditions:
Inborn genetic diseases. Identifiers: MedGen C0950123, MeSH D030342.

Submission:

Ambry Genetics
Classification: Uncertain significance for Inborn genetic diseases. Last evaluated: 2024-11-28. Review status: criteria provided, single submitter. Criteria: Ambry Variant Classification Scheme 2023. Collection method: clinical testing. Allele origin: germline.
Comment: The p.P489S variant (also known as c.1465C>T), located in coding exon 1 of the SAMD9 gene, results from a C to T substitution at nucleotide position 1465. The proline at codon 489 is replaced by serine, an amino acid with similar properties. This amino acid position is conserved. In addition, this alteration is predicted to be tolerated by in silico analysis. Based on the available evidence, the clinical significance of this variant remains unclear.